The following is an entry in ClinVar:

NM_015365.3(AMMECR1):c.402C>T (p.Cys134=)

Gene: AMMECR1 (AMMECR nuclear protein 1; minus strand). Cytogenetic location: Xq23.
Variant type: single nucleotide variant.
Coding change: c.402C>T on transcript NM_015365.3 (MANE Select); coding-DNA position 402, C replaced by T.
Protein change: p.Cys134=; no amino-acid change (cysteine 134 retained).
Molecular consequence: synonymous variant.
Genome position (GRCh38, 1-based): chrX:110,317,670, G>A on the plus strand (C>T on the coding strand, the complement: AMMECR1 is on the minus strand). VCF-style: chrX-110317670-G-A. GRCh37 (hg19) VCF-style: chrX-109560898-G-A.
Other names: c.402C>T, p.Cys134= (NM_001025580.2); c.33C>T, p.Cys11= (NM_001171689.2).
Identifiers: ClinVar variation 2661191 (VCV002661191.24), dbSNP rs977896524, ClinGen allele CA334333665.

ClinVar aggregate classification (germline): Likely benign (1 of 4 stars; one submission).

Allele frequency attached by ClinVar (database versions not stated): TOPMed below 0.00001; gnomAD exomes 0.00001.
gnomAD v4.1: 3 of 1,209,275 alleles (0.00025%); highest among the groups gnomAD compares: Non-Finnish European, 0.00034%; no homozygotes.

Submission:

CeGaT Center for Human Genetics Tuebingen
Classification: Likely benign. Last evaluated: 2026-03-01. Review status: criteria provided, single submitter. Criteria: CeGaT Center For Human Genetics Tuebingen Variant Classification Criteria Version 2. Collection method: clinical testing. Allele origin: germline. Affected: yes. Observed: 2 variant alleles.
Comment: AMMECR1: BP4